The following is an entry in ClinVar:

NM_001042472.3(ABHD12):c.656G>A (p.Gly219Asp)

Genes: ABHD12 (abhydrolase domain containing 12, lysophospholipase; minus strand), LOC126863008 (CDK7 strongly-dependent group 2 enhancer GRCh37_chr20:25289826-25291025; plus strand). Cytogenetic location: 20p11.21.
Variant type: single nucleotide variant.
Coding change: c.656G>A on transcript NM_001042472.3 (MANE Select); coding-DNA position 656, G replaced by A.
Protein change: p.Gly219Asp; replaces glycine 219 with aspartic acid.
Molecular consequence: missense variant.
Genome position (GRCh38, 1-based): chr20:25,309,539, C>T on the plus strand (G>A on the coding strand, the complement: ABHD12 is on the minus strand). VCF-style: chr20-25309539-C-T. GRCh37 (hg19) VCF-style: chr20-25290175-C-T.
Other names: c.656G>A (NM_001042472.2); c.656G>A, p.Gly219Asp (NM_015600.5); short protein forms G219D.
Identifiers: ClinVar variation 1041040 (VCV001041040.13), dbSNP rs900106828, ClinGen allele CA408456258.

ClinVar aggregate classification (germline): Uncertain significance. Review status: criteria provided, multiple submitters, no conflicts (2 of 4 stars). 3 submissions from 3 submitters: Uncertain significance (3). Last evaluated 2025-11-20.

Conditions:
Inborn genetic diseases. Identifiers: MedGen C0950123, MeSH D030342.

Allele frequency attached by ClinVar (database versions not stated): gnomAD exomes below 0.00001.
gnomAD v4.1: 22 of 1,614,190 alleles (0.0014%); highest among the groups gnomAD compares: Non-Finnish European, 0.0017%; no homozygotes.

Submissions (3):

Ambry Genetics
Classification: Uncertain significance for Inborn genetic diseases. Last evaluated: 2025-11-20. Review status: criteria provided, single submitter. Criteria: Ambry Variant Classification Scheme 2023. Collection method: clinical testing. Allele origin: germline.

Labcorp Genetics (formerly Invitae), Labcorp
Classification: Uncertain significance. Last evaluated: 2025-06-02. Review status: criteria provided, single submitter. Criteria: Invitae Variant Classification Sherloc (09022015). Collection method: clinical testing. Allele origin: germline.
Comment: This sequence change replaces glycine, which is neutral and non-polar, with aspartic acid, which is acidic and polar, at codon 219 of the ABHD12 protein (p.Gly219Asp). This variant is present in population databases (no rsID available, gnomAD 0.0009%). This variant has not been reported in the literature in individuals affected with ABHD12-related conditions. ClinVar contains an entry for this variant (Variation ID: 1041040). Invitae Evidence Modeling of protein sequence and biophysical properties (such as structural, functional, and spatial information, amino acid conservation, physicochemical variation, residue mobility, and thermodynamic stability) indicates that this missense variant is not expected to disrupt ABHD12 protein function with a negative predictive value of 80%. In summary, the available evidence is currently insufficient to determine the role of this variant in disease. Therefore, it has been classified as a Variant of Uncertain Significance.

Blueprint Genetics
Classification: Uncertain significance. Last evaluated: 2019-12-04. Review status: criteria provided, single submitter. Criteria: ACMG Guidelines, 2015. Collection method: clinical testing. Allele origin: germline.